The following is an entry in ClinVar:

NM_021830.5(TWNK):c.238G>A (p.Ala80Thr)

Gene: TWNK (twinkle mtDNA helicase; plus strand). Cytogenetic location: 10q24.31.
Variant type: single nucleotide variant.
Coding change: c.238G>A on transcript NM_021830.5 (MANE Select); coding-DNA position 238, G replaced by A.
Protein change: p.Ala80Thr; replaces alanine 80 with threonine.
Molecular consequence: missense variant. On other transcripts: non-coding transcript variant (4), intron variant (3).
Genome position (GRCh38, 1-based): chr10:100,988,448, G>A. VCF-style: chr10-100988448-G-A. GRCh37 (hg19) VCF-style: chr10-102748205-G-A.
Other names: p.Ala80Thr; c.238G>A, p.Ala80Thr (NM_001163812.2); c.-120+835G>A (NM_001163814.2, NM_001163813.2); c.-58+835G>A (NM_001368275.1); short protein forms A80T.
Identifiers: ClinVar variation 1433115 (VCV001433115.8), dbSNP rs201523414, ClinGen allele CA5653042.

ClinVar aggregate classification (germline): Uncertain significance. Review status: criteria provided, multiple submitters, no conflicts (2 of 4 stars). 2 submissions from 2 submitters: Uncertain significance (2). Last evaluated 2025-10-21.

Allele frequency attached by ClinVar (database versions not stated): ExAC 0.00003; gnomAD exomes 0.00004 and 0.00012; TOPMed 0.00005; gnomAD 0.00007 and 0.00009; ESP Exome Variant Server 0.00015.

Submissions (2):

Labcorp Genetics (formerly Invitae), Labcorp
Classification: Uncertain significance. Last evaluated: 2025-10-21. Review status: criteria provided, single submitter. Criteria: Invitae Variant Classification Sherloc (09022015). Collection method: clinical testing. Allele origin: germline.
Comment: This sequence change replaces alanine, which is neutral and non-polar, with threonine, which is neutral and polar, at codon 80 of the TWNK protein (p.Ala80Thr). This variant is present in population databases (rs201523414, gnomAD 0.008%). This variant has not been reported in the literature in individuals affected with TWNK-related conditions. ClinVar contains an entry for this variant (Variation ID: 1433115). Invitae Evidence Modeling of protein sequence and biophysical properties (such as structural, functional, and spatial information, amino acid conservation, physicochemical variation, residue mobility, and thermodynamic stability) indicates that this missense variant is not expected to disrupt TWNK protein function with a negative predictive value of 95%. In summary, the available evidence is currently insufficient to determine the role of this variant in disease. Therefore, it has been classified as a Variant of Uncertain Significance.

Mayo Clinic Laboratories, Mayo Clinic
Classification: Uncertain significance. Last evaluated: 2023-11-17. Review status: criteria provided, single submitter. Criteria: ACMG Guidelines, 2015. Collection method: clinical testing. Allele origin: germline. Observed: 2 variant alleles.
Comment: BP4